The following is an entry in ClinVar:

NM_015910.7(WDPCP):c.1018G>T (p.Ala340Ser)

Gene: WDPCP (WD repeat containing planar cell polarity effector; minus strand). Cytogenetic location: 2p15.
Variant type: single nucleotide variant.
Coding change: c.1018G>T on transcript NM_015910.7 (MANE Select); coding-DNA position 1018, G replaced by T.
Protein change: p.Ala340Ser; replaces alanine 340 with serine.
Molecular consequence: missense variant. On other transcripts: non-coding transcript variant (3).
Genome position (GRCh38, 1-based): chr2:63,404,465, C>A on the plus strand (G>T on the coding strand, the complement: WDPCP is on the minus strand). VCF-style: chr2-63404465-C-A. GRCh37 (hg19) VCF-style: chr2-63631600-C-A.
Other names: c.541G>T, p.Ala181Ser (NM_001042692.3); c.946G>T, p.Ala316Ser (NM_001354044.2); c.1018G>T, p.Ala340Ser (NM_001354045.2); short protein forms A316S, A181S, A340S.
Identifiers: ClinVar variation 1042588 (VCV001042588.8), dbSNP rs779714128, ClinGen allele CA1682300.

ClinVar aggregate classification (germline): Uncertain significance. Review status: criteria provided, multiple submitters, no conflicts (2 of 4 stars). 2 submissions from 2 submitters: Uncertain significance (2). Last evaluated 2024-11-05.

Conditions:
Bardet-Biedl syndrome (BBS). Identifiers: Orphanet 110, MedGen C0752166, MONDO:0015229.
Bardet-Biedl syndrome 15 (BBS15). Identifiers: Orphanet 110, MedGen C3150127, MONDO:0014443, OMIM 615992.
Heart defect - tongue hamartoma - polysyndactyly syndrome. Also called: Congenital heart defects, hamartomas of tongue, and polysyndactyly. Identifiers: Orphanet 1338, MedGen C1857587, MONDO:0009008, OMIM 217085.

Allele frequency attached by ClinVar (database versions not stated): ExAC 0.00001; gnomAD 0.00001; gnomAD exomes 0.00001 and 0.00002; TOPMed 0.00001.
gnomAD v4.1: 7 of 1,613,990 alleles (0.00043%); highest among the groups gnomAD compares: Admixed American, 0.0083%; no homozygotes.

Submissions (2):

Labcorp Genetics (formerly Invitae), Labcorp
Classification: Uncertain significance for Bardet-Biedl syndrome. Last evaluated: 2024-11-05. Review status: criteria provided, single submitter. Criteria: Invitae Variant Classification Sherloc (09022015). Collection method: clinical testing. Allele origin: germline.
Comment: This sequence change replaces alanine, which is neutral and non-polar, with serine, which is neutral and polar, at codon 340 of the WDPCP protein (p.Ala340Ser). This variant is present in population databases (rs779714128, gnomAD 0.009%). This variant has not been reported in the literature in individuals affected with WDPCP-related conditions. ClinVar contains an entry for this variant (Variation ID: 1042588). Invitae Evidence Modeling of protein sequence and biophysical properties (such as structural, functional, and spatial information, amino acid conservation, physicochemical variation, residue mobility, and thermodynamic stability) indicates that this missense variant is not expected to disrupt WDPCP protein function with a negative predictive value of 80%. In summary, the available evidence is currently insufficient to determine the role of this variant in disease. Therefore, it has been classified as a Variant of Uncertain Significance.

Fulgent Genetics
Classification: Uncertain significance for Heart defect - tongue hamartoma - polysyndactyly syndrome; Bardet-Biedl syndrome 15. Last evaluated: 2021-11-27. Review status: criteria provided, single submitter. Criteria: ACMG Guidelines, 2015. Collection method: clinical testing. Allele origin: unknown.